The following is an entry in ClinVar:

ClinVar aggregate classification (germline): not provided (0 of 4 stars; one submission).

Allele frequency attached by ClinVar (database versions not stated): ExAC 0.00002; TOPMed 0.00002 and 0.00003; gnomAD 0.00003 and 0.00001; gnomAD exomes 0.00001.
gnomAD v4.1: 15 of 1,607,888 alleles (0.00093%); highest among the groups gnomAD compares: African/African-American, 0.0067%; no homozygotes.

Submission:

ITMI
No classification provided. Condition: AllHighlyPenetrant. Last evaluated: 2013-09-19. Review status: no classification provided. Collection method: reference population. Allele origin: germline.
Comment: Please see associated publication for description of ethnicities

Literature cited by the submitters: PubMed 24728327.

NM_003902.5(FUBP1):c.992G>A (p.Arg331Gln)

Gene: FUBP1 (far upstream element binding protein 1; minus strand). Cytogenetic location: 1p31.1.
Variant type: single nucleotide variant.
Coding change: c.992G>A on transcript NM_003902.5 (MANE Select); coding-DNA position 992, G replaced by A.
Protein change: p.Arg331Gln; replaces arginine 331 with glutamine.
Molecular consequence: missense variant. On other transcripts: non-coding transcript variant (5).
Genome position (GRCh38, 1-based): chr1:77,964,111, C>T on the plus strand (G>A on the coding strand, the complement: FUBP1 is on the minus strand). VCF-style: chr1-77964111-C-T. GRCh37 (hg19) VCF-style: chr1-78429796-C-T.
Other names: c.1055G>A, p.Arg352Gln (NM_001303433.2); c.1052G>A, p.Arg351Gln (NM_001376055.1); c.989G>A, p.Arg330Gln (NM_001376056.1, NM_001376057.1); short protein forms R331Q, R352Q, R351Q, R330Q.
Identifiers: ClinVar variation 134456 (VCV000134456.1), dbSNP rs587778374, ClinGen allele CA159871.
Genomic context (GRCh38, chr1:77,964,111, plus strand): 5'-TTCTATCAAACCTGAACACTTCGAAGAAGGTCTGTAATAATTTCTGCAGCATGTTGACAT[C>T]GGTCTGGAGGTCCTGTTATTTGTGCTATCCTTTCGGGTGTTGTCCCATCATCTTCAAAAC-3'
Protein context (NP_003893.2, residues 321-341): RIAQITGPPD[Arg331Gln]CQHAAEIITD